The following is an entry in ClinVar:

ClinVar aggregate classification (germline): Uncertain significance (1 of 4 stars; one submission).

gnomAD v4.1: 10 of 1,613,502 alleles (0.00062%); highest among the groups gnomAD compares: South Asian, 0.0022%; no homozygotes.

Submission:

Labcorp Genetics (formerly Invitae), Labcorp
Classification: Uncertain significance. Last evaluated: 2022-10-05. Review status: criteria provided, single submitter. Criteria: Invitae Variant Classification Sherloc (09022015). Collection method: clinical testing. Allele origin: germline.
Comment: This sequence change replaces arginine, which is basic and polar, with cysteine, which is neutral and slightly polar, at codon 428 of the TTLL5 protein (p.Arg428Cys). This variant is not present in population databases (gnomAD no frequency). This variant has not been reported in the literature in individuals affected with TTLL5-related conditions. ClinVar contains an entry for this variant (Variation ID: 1485100). Algorithms developed to predict the effect of missense changes on protein structure and function are either unavailable or do not agree on the potential impact of this missense change (SIFT: "Deleterious"; PolyPhen-2: "Benign"; Align-GVGD: "Class C15"). In summary, the available evidence is currently insufficient to determine the role of this variant in disease. Therefore, it has been classified as a Variant of Uncertain Significance.

NM_015072.5(TTLL5):c.1282C>T (p.Arg428Cys)

Gene: TTLL5 (tubulin tyrosine ligase like 5; plus strand). Cytogenetic location: 14q24.3.
Variant type: single nucleotide variant.
Coding change: c.1282C>T on transcript NM_015072.5 (MANE Select); coding-DNA position 1282, C replaced by T.
Protein change: p.Arg428Cys; replaces arginine 428 with cysteine.
Molecular consequence: missense variant.
Genome position (GRCh38, 1-based): chr14:75,745,095, C>T. VCF-style: chr14-75745095-C-T. GRCh37 (hg19) VCF-style: chr14-76211438-C-T.
Other names: short protein forms R428C.
Identifiers: ClinVar variation 1485100 (VCV001485100.3), dbSNP rs1159674027, ClinGen allele CA390465225.